The following is an entry in ClinVar:

ClinVar aggregate classification (germline): Uncertain significance (1 of 4 stars; one submission).

Conditions:
EAST syndrome (SESAMES). Also called: SEIZURES, SENSORINEURAL DEAFNESS, ATAXIA, IMPAIRED INTELLECTUAL DEVELOPMENT, AND ELECTROLYTE IMBALANCE. Identifiers: Orphanet 199343, MedGen C2748572, MONDO:0013005, OMIM 612780.

Submission:

Labcorp Genetics (formerly Invitae), Labcorp
Classification: Uncertain significance for EAST syndrome. Last evaluated: 2025-04-08. Review status: criteria provided, single submitter. Criteria: Invitae Variant Classification Sherloc (09022015). Collection method: clinical testing. Allele origin: germline.
Comment: This sequence change replaces methionine, which is neutral and non-polar, with lysine, which is basic and polar, at codon 197 of the KCNJ10 protein (p.Met197Lys). This variant is not present in population databases (gnomAD no frequency). This variant has not been reported in the literature in individuals affected with KCNJ10-related conditions. Invitae Evidence Modeling of protein sequence and biophysical properties (such as structural, functional, and spatial information, amino acid conservation, physicochemical variation, residue mobility, and thermodynamic stability) has been performed for this missense variant. However, the output from this modeling did not meet the statistical confidence thresholds required to predict the impact of this variant on KCNJ10 protein function. In summary, the available evidence is currently insufficient to determine the role of this variant in disease. Therefore, it has been classified as a Variant of Uncertain Significance.

NM_002241.5(KCNJ10):c.590T>A (p.Met197Lys)

Gene: KCNJ10 (potassium inwardly rectifying channel subfamily J member 10; minus strand). Cytogenetic location: 1q23.2.
Variant type: single nucleotide variant.
Coding change: c.590T>A on transcript NM_002241.5 (MANE Select); coding-DNA position 590, T replaced by A.
Protein change: p.Met197Lys; replaces methionine 197 with lysine.
Molecular consequence: missense variant.
Genome position (GRCh38, 1-based): chr1:160,041,943, A>T on the plus strand (T>A on the coding strand, the complement: KCNJ10 is on the minus strand). VCF-style: chr1-160041943-A-T. GRCh37 (hg19) VCF-style: chr1-160011733-A-T.
Other names: short protein forms M197K.
Identifiers: ClinVar variation 4747219 (VCV004747219.1).